The following is an entry in ClinVar:

NM_001276270.2(MBD4):c.611T>A (p.Leu204His)

Gene: MBD4 (methyl-CpG binding domain 4, DNA glycosylase; minus strand). Cytogenetic location: 3q21.3.
Variant type: single nucleotide variant.
Coding change: c.611T>A on transcript NM_001276270.2 (MANE Select); coding-DNA position 611, T replaced by A.
Protein change: p.Leu204His; replaces leucine 204 with histidine.
Molecular consequence: missense variant. On other transcripts: intron variant (1).
Genome position (GRCh38, 1-based): chr3:129,437,033, A>T on the plus strand (T>A on the coding strand, the complement: MBD4 is on the minus strand). VCF-style: chr3-129437033-A-T. GRCh37 (hg19) VCF-style: chr3-129155876-A-T.
Other names: c.611T>A, p.Leu204His (NM_001276271.2, NM_001276272.2, NM_003925.3); c.247+775T>A (NM_001276273.2); short protein forms L204H.
Identifiers: ClinVar variation 4104610 (VCV004104610.1).

ClinVar aggregate classification (germline): Uncertain significance (1 of 4 stars; one submission).

Conditions:
Inborn genetic diseases. Identifiers: MedGen C0950123, MeSH D030342.

Submission:

Ambry Genetics
Classification: Uncertain significance for Inborn genetic diseases. Last evaluated: 2025-07-12. Review status: criteria provided, single submitter. Criteria: Ambry Variant Classification Scheme 2023. Collection method: clinical testing. Allele origin: germline.
Comment: The p.L204H variant (also known as c.611T>A), located in coding exon 3 of the MBD4 gene, results from a T to A substitution at nucleotide position 611. The leucine at codon 204 is replaced by histidine, an amino acid with similar properties. This amino acid position is conserved. In addition, the in silico prediction for this alteration is inconclusive. Based on the available evidence, the clinical significance of this variant remains unclear.